The following is an entry in ClinVar:

ClinVar aggregate classification (germline): Uncertain significance (1 of 4 stars; one submission).

Conditions:
Cardiovascular phenotype. Identifiers: MedGen CN230736.

Submission:

Ambry Genetics
Classification: Uncertain significance for Cardiovascular phenotype. Last evaluated: 2021-07-08. Review status: criteria provided, single submitter. Criteria: Ambry Variant Classification Scheme 2023. Collection method: clinical testing. Allele origin: germline.
Comment: The p.M111I variant (also known as c.333G>A), located in coding exon 3 of the APOA5 gene, results from a G to A substitution at nucleotide position 333. The methionine at codon 111 is replaced by isoleucine, an amino acid with highly similar properties. This amino acid position is conserved. In addition, this alteration is predicted to be tolerated by in silico analysis. Since supporting evidence is limited at this time, the clinical significance of this alteration remains unclear.

NM_001371904.1(APOA5):c.333G>A (p.Met111Ile)

Gene: APOA5 (apolipoprotein A5; minus strand). Cytogenetic location: 11q23.3.
Variant type: single nucleotide variant.
Coding change: c.333G>A on transcript NM_001371904.1 (MANE Select); coding-DNA position 333, G replaced by A.
Protein change: p.Met111Ile; replaces methionine 111 with isoleucine.
Molecular consequence: missense variant.
Genome position (GRCh38, 1-based): chr11:116,790,896, C>T on the plus strand (G>A on the coding strand, the complement: APOA5 is on the minus strand). VCF-style: chr11-116790896-C-T. GRCh37 (hg19) VCF-style: chr11-116661612-C-T.
Other names: c.333G>A, p.Met111Ile (NM_001166598.2, NM_052968.5); short protein forms M111I.
Identifiers: ClinVar variation 1730400 (VCV001730400.2), dbSNP rs565944950, ClinGen allele CA382739025.